The following is an entry in ClinVar:

ClinVar aggregate classification (germline): Likely pathogenic (1 of 4 stars; one submission).

Submission:

CeGaT Center for Human Genetics Tuebingen
Classification: Likely pathogenic. Last evaluated: 2025-02-01. Review status: criteria provided, single submitter. Criteria: CeGaT Center For Human Genetics Tuebingen Variant Classification Criteria Version 2. Collection method: clinical testing. Allele origin: germline. Affected: yes. Observed: 3 variant alleles.
Comment: LMX1B: PM2, PM1:Supporting, PP3, PP4, PS4:Supporting

NM_001174147.2(LMX1B):c.343T>C (p.Cys115Arg)

Gene: LMX1B (LIM homeobox transcription factor 1 beta; plus strand). Cytogenetic location: 9q33.3.
Variant type: single nucleotide variant.
Coding change: c.343T>C on transcript NM_001174147.2 (MANE Select); coding-DNA position 343, T replaced by C.
Protein change: p.Cys115Arg; replaces cysteine 115 with arginine.
Molecular consequence: missense variant.
Genome position (GRCh38, 1-based): chr9:126,690,852, T>C. VCF-style: chr9-126690852-T-C. GRCh37 (hg19) VCF-style: chr9-129453131-T-C.
Other names: c.343T>C, p.Cys115Arg (NM_001174146.2, NM_002316.4); short protein forms C115R.
Identifiers: ClinVar variation 3771872 (VCV003771872.13).